The following is an entry in ClinVar:

ClinVar aggregate classification (germline): Uncertain significance (1 of 4 stars; one submission).

Conditions:
Hereditary cancer-predisposing syndrome. Also called: Neoplastic Syndromes, Hereditary; Tumor predisposition; Hereditary Cancer Syndrome; Hereditary neoplastic syndrome. Identifiers: Orphanet 140162, MedGen C0027672, MeSH D009386, MONDO:0015356.

Submission:

Ambry Genetics
Classification: Uncertain significance for Hereditary cancer-predisposing syndrome. Last evaluated: 2026-04-11. Review status: criteria provided, single submitter. Criteria: Ambry Variant Classification Scheme 2023. Collection method: clinical testing. Allele origin: germline.
Comment: The p.Q206L variant (also known as c.617A>T), located in coding exon 4 of the BARD1 gene, results from an A to T substitution at nucleotide position 617. The glutamine at codon 206 is replaced by leucine, an amino acid with dissimilar properties. This amino acid position is conserved. In addition, this alteration is predicted to be tolerated by in silico analysis. Based on the available evidence, the clinical significance of this variant remains unclear.

NM_000465.4(BARD1):c.617A>T (p.Gln206Leu)

Gene: BARD1 (BRCA1 associated RING domain 1; minus strand). Cytogenetic location: 2q35.
Variant type: single nucleotide variant.
Coding change: c.617A>T on transcript NM_000465.4 (MANE Select); coding-DNA position 617, A replaced by T.
Protein change: p.Gln206Leu; replaces glutamine 206 with leucine.
Molecular consequence: missense variant. On other transcripts: non-coding transcript variant (2), intron variant (3).
Genome position (GRCh38, 1-based): chr2:214,781,257, T>A on the plus strand (A>T on the coding strand, the complement: BARD1 is on the minus strand). VCF-style: chr2-214781257-T-A. GRCh37 (hg19) VCF-style: chr2-215645981-T-A.
Other names: c.560A>T, p.Gln187Leu (NM_001282543.2); c.158+28155A>T (NM_001282548.2); c.215+15804A>T (NM_001282545.2); c.364+11040A>T (NM_001282549.2); short protein forms Q187L, Q206L.
Identifiers: ClinVar variation 4867394 (VCV004867394.1).
Genomic context (GRCh38, chr2:214,781,257, plus strand): 5'-TCTTCTTTTTCTGCCTCTAAATTCCATTTTTGGTTGATTTCAGCTAAAGTTTTCTTTTTT[T>A]GCTTTTTTCCAGATCTTGCAGAAGCCTTTTTAGCCCTCTCAGAAACATCTGCAGGAGGAC-3'
Protein context (NP_000456.2, residues 196-216): KKASARSGKK[Gln206Leu]KKKTLAEINQ